The following is an entry in ClinVar:

ClinVar aggregate classification (germline): Likely benign (0 of 4 stars; one submission).

Conditions:
SLC27A5-related disorder. Also called: SLC27A5-related condition.

Allele frequency attached by ClinVar (database versions not stated): TOPMed below 0.00001.

Submission:

PreventionGenetics, part of Exact Sciences
Classification: Likely benign for SLC27A5-related condition. Last evaluated: 2024-01-22. Review status: no assertion criteria provided. Collection method: clinical testing. Allele origin: germline.
Comment: This variant is classified as likely benign based on ACMG/AMP sequence variant interpretation guidelines (Richards et al. 2015 PMID: 25741868, with internal and published modifications).

NM_012254.3(SLC27A5):c.1984C>T (p.Leu662=)

Gene: SLC27A5 (solute carrier family 27 member 5; minus strand). Cytogenetic location: 19q13.43.
Variant type: single nucleotide variant.
Coding change: c.1984C>T on transcript NM_012254.3 (MANE Select); coding-DNA position 1984, C replaced by T.
Protein change: p.Leu662=; no amino-acid change (leucine 662 retained).
Molecular consequence: synonymous variant.
Genome position (GRCh38, 1-based): chr19:58,498,604, G>A on the plus strand (C>T on the coding strand, the complement: SLC27A5 is on the minus strand). VCF-style: chr19-58498604-G-A. GRCh37 (hg19) VCF-style: chr19-59009971-G-A.
Other names: c.1732C>T, p.Leu578= (NM_001321196.2).
Identifiers: ClinVar variation 3061129 (VCV003061129.2), dbSNP rs2053235452, ClinGen allele CA509536605.
Genomic context (GRCh38, chr19:58,498,604, plus strand): 5'-CCTGGTACATTTCTGCCGTCAGGGGCCGGAAGGACTGGGCCCGGTTGTCCAGTACAAACA[G>A]AGGGTCAACCACGATCCCCACATTGAAGCCCTCACGCACCAACCGGGTCTTCATCAGTTT-3'
Protein context (NP_036386.1, residues 652-672): GFNVGIVVDP[Leu662=]FVLDNRAQSF